The following is an entry in ClinVar:

NM_001369.3(DNAH5):c.5024T>C (p.Val1675Ala)

Gene: DNAH5 (dynein axonemal heavy chain 5; minus strand). Cytogenetic location: 5p15.2.
Variant type: single nucleotide variant.
Coding change: c.5024T>C on transcript NM_001369.3 (MANE Select); coding-DNA position 5024, T replaced by C.
Protein change: p.Val1675Ala; replaces valine 1675 with alanine.
Molecular consequence: missense variant.
Genome position (GRCh38, 1-based): chr5:13,850,742, A>G on the plus strand (T>C on the coding strand, the complement: DNAH5 is on the minus strand). VCF-style: chr5-13850742-A-G. GRCh37 (hg19) VCF-style: chr5-13850851-A-G.
Other names: short protein forms V1675A.
Identifiers: ClinVar variation 1054262 (VCV001054262.6), dbSNP rs2151883811, ClinGen allele CA359217219.

ClinVar aggregate classification (germline): Uncertain significance (1 of 4 stars; one submission).

Conditions:
Primary ciliary dyskinesia. Also called: Ciliary dyskinesia. Identifiers: Orphanet 244, MedGen C0008780, MONDO:0016575, HP:0012265.

Submission:

Labcorp Genetics (formerly Invitae), Labcorp
Classification: Uncertain significance for Primary ciliary dyskinesia. Last evaluated: 2021-08-31. Review status: criteria provided, single submitter. Criteria: Invitae Variant Classification Sherloc (09022015). Collection method: clinical testing. Allele origin: germline.
Comment: This sequence change replaces valine with alanine at codon 1675 of the DNAH5 protein (p.Val1675Ala). The valine residue is highly conserved and there is a small physicochemical difference between valine and alanine. This variant is not present in population databases (ExAC no frequency). This variant has not been reported in the literature in individuals affected with DNAH5-related conditions. Advanced modeling of protein sequence and biophysical properties (such as structural, functional, and spatial information, amino acid conservation, physicochemical variation, residue mobility, and thermodynamic stability) performed at Invitae indicates that this missense variant is not expected to disrupt DNAH5 protein function. In summary, the available evidence is currently insufficient to determine the role of this variant in disease. Therefore, it has been classified as a Variant of Uncertain Significance.